The following is an entry in ClinVar:

NM_000384.3(APOB):c.7096C>G (p.His2366Asp)

Gene: APOB (apolipoprotein B; minus strand). Cytogenetic location: 2p24.1.
Variant type: single nucleotide variant.
Coding change: c.7096C>G on transcript NM_000384.3 (MANE Select); coding-DNA position 7096, C replaced by G.
Protein change: p.His2366Asp; replaces histidine 2366 with aspartic acid.
Molecular consequence: missense variant.
Genome position (GRCh38, 1-based): chr2:21,009,772, G>C on the plus strand (C>G on the coding strand, the complement: APOB is on the minus strand). VCF-style: chr2-21009772-G-C. GRCh37 (hg19) VCF-style: chr2-21232644-G-C.
Other names: short protein forms H2366D.
Identifiers: ClinVar variation 5026895 (VCV005026895.1).

ClinVar aggregate classification (germline): Uncertain significance (1 of 4 stars; one submission).

Conditions:
Cardiovascular phenotype. Identifiers: MedGen CN230736.

Submission:

Ambry Genetics
Classification: Uncertain significance for Cardiovascular phenotype. Last evaluated: 2026-06-22. Review status: criteria provided, single submitter. Criteria: Ambry Variant Classification Scheme 2023. Collection method: clinical testing. Allele origin: germline.
Comment: The p.H2366D variant (also known as c.7096C>G), located in coding exon 26 of the APOB gene, results from a C to G substitution at nucleotide position 7096. The histidine at codon 2366 is replaced by aspartic acid, an amino acid with similar properties. This amino acid position is conserved. In addition, this alteration is predicted to be tolerated by in silico analysis. Based on the available evidence, the clinical significance of this variant remains unclear.